The following is an entry in ClinVar:

ClinVar aggregate classification (germline): Likely benign (1 of 4 stars; one submission).

Allele frequency attached by ClinVar (database versions not stated): gnomAD exomes below 0.00001; gnomAD 0.00003; TOPMed 0.00005.
gnomAD v4.1: 10 of 1,582,586 alleles (0.00063%); highest among the groups gnomAD compares: African/African-American, 0.013%; no homozygotes.

Submission:

CeGaT Center for Human Genetics Tuebingen
Classification: Likely benign. Last evaluated: 2023-04-01. Review status: criteria provided, single submitter. Criteria: CeGaT Center For Human Genetics Tuebingen Variant Classification Criteria Version 2. Collection method: clinical testing. Allele origin: germline. Affected: yes. Observed: 1 variant allele.
Comment: NCOR2: BP4, BP7

NM_006312.6(NCOR2):c.4428C>T (p.Leu1476=)

Gene: NCOR2 (nuclear receptor corepressor 2; minus strand). Cytogenetic location: 12q24.31.
Variant type: single nucleotide variant.
Coding change: c.4428C>T on transcript NM_006312.6 (MANE Select); coding-DNA position 4428, C replaced by T.
Protein change: p.Leu1476=; no amino-acid change (leucine 1476 retained).
Molecular consequence: synonymous variant.
Genome position (GRCh38, 1-based): chr12:124,344,883, G>A on the plus strand (C>T on the coding strand, the complement: NCOR2 is on the minus strand). VCF-style: chr12-124344883-G-A. GRCh37 (hg19) VCF-style: chr12-124829429-G-A.
Other names: c.4398C>T, p.Leu1466= (NM_001077261.4, NM_001206654.2).
Identifiers: ClinVar variation 2643554 (VCV002643554.24), dbSNP rs1461783117, ClinGen allele CA482455687.